The following is an entry in ClinVar:

NM_000065.5(C6):c.802C>T (p.Gln268Ter)

Gene: C6 (complement C6; minus strand). Cytogenetic location: 5p13.1.
Variant type: single nucleotide variant.
Coding change: c.802C>T on transcript NM_000065.5 (MANE Select); coding-DNA position 802, C replaced by T.
Protein change: p.Gln268Ter; replaces glutamine 268 with a stop codon.
Molecular consequence: nonsense.
Genome position (GRCh38, 1-based): chr5:41,181,484, G>A on the plus strand (C>T on the coding strand, the complement: C6 is on the minus strand). VCF-style: chr5-41181484-G-A. GRCh37 (hg19) VCF-style: chr5-41181586-G-A.
Other names: c.802C>T, p.Gln268Ter (NM_001115131.4); short protein forms Q268*.
Identifiers: ClinVar variation 2635402 (VCV002635402.1), dbSNP rs950033293, ClinGen allele CA117780435.

ClinVar aggregate classification (germline): Likely pathogenic (1 of 4 stars; one submission).

Conditions:
C6-related disorder. Also called: C6-related condition.

Allele frequency attached by ClinVar (database versions not stated): gnomAD exomes below 0.00001; gnomAD 0.00001; TOPMed 0.00001.
gnomAD v4.1: 4 of 1,613,578 alleles (0.00025%); highest among the groups gnomAD compares: Non-Finnish European, 0.00034%; no homozygotes.

Submission:

PreventionGenetics, part of Exact Sciences
Classification: Likely pathogenic for C6-related condition. Last evaluated: 2022-11-21. Review status: criteria provided, single submitter. Criteria: ACMG Guidelines, 2015. Collection method: clinical testing. Allele origin: germline.
Comment: The C6 c.802C>T variant is predicted to result in premature protein termination (p.Gln268*). To our knowledge, this variant has not been reported in the literature or in a large population database, indicating this variant is rare. Nonsense variants in C6 are expected to be pathogenic. This variant is interpreted as likely pathogenic.